The following is an entry in ClinVar:

ClinVar aggregate classification (germline): Benign (1 of 4 stars; one submission).

Allele frequency attached by ClinVar (database versions not stated): 1000 Genomes Project 0.03454; 1000 Genomes Project 30x 0.03560; gnomAD 0.04593 and 0.04695; TOPMed 0.04920.
gnomAD v4.1: 7,195 of 151,996 alleles (4.7%); highest among the groups gnomAD compares: Non-Finnish European, 6.8%; 233 homozygotes.

Submission:

GeneDx
Classification: Benign. Last evaluated: 2018-06-19. Review status: criteria provided, single submitter. Criteria: GeneDx Variant Classification (06012015). Collection method: clinical testing. Allele origin: germline. Affected: yes.
Comment: This variant is considered likely benign or benign based on one or more of the following criteria: it is a conservative change, it occurs at a poorly conserved position in the protein, it is predicted to be benign by multiple in silico algorithms, and/or has population frequency not consistent with disease.

NM_001377.3(DYNC2H1):c.1857+218G>A

Gene: DYNC2H1 (dynein cytoplasmic 2 heavy chain 1; plus strand). Cytogenetic location: 11q22.3.
Variant type: single nucleotide variant.
Coding change: c.1857+218G>A on transcript NM_001377.3 (MANE Select); 218 bases into the intron after coding-DNA position 1857, G replaced by A.
Molecular consequence: intron variant.
Genome position (GRCh38, 1-based): chr11:103,125,513, G>A. VCF-style: chr11-103125513-G-A. GRCh37 (hg19) VCF-style: chr11-102996242-G-A.
Other names: c.1857+218G>A (NM_001080463.2).
Identifiers: ClinVar variation 669442 (VCV000669442.1), dbSNP rs11225555, ClinGen allele CA15703881.